The following is an entry in ClinVar:

ClinVar aggregate classification (germline): Uncertain significance (1 of 4 stars; one submission).

Submission:

Labcorp Genetics (formerly Invitae), Labcorp
Classification: Uncertain significance. Last evaluated: 2021-12-16. Review status: criteria provided, single submitter. Criteria: Invitae Variant Classification Sherloc (09022015). Collection method: clinical testing. Allele origin: germline.
Comment: In summary, the available evidence is currently insufficient to determine the role of this variant in disease. Therefore, it has been classified as a Variant of Uncertain Significance. Algorithms developed to predict the effect of missense changes on protein structure and function (SIFT, PolyPhen-2, Align-GVGD) all suggest that this variant is likely to be tolerated. This variant has not been reported in the literature in individuals affected with EPRS-related conditions. This variant is not present in population databases (gnomAD no frequency). This sequence change replaces leucine, which is neutral and non-polar, with isoleucine, which is neutral and non-polar, at codon 1345 of the EPRS protein (p.Leu1345Ile).

NM_004446.3(EPRS1):c.4033T>A (p.Leu1345Ile)

Gene: EPRS1 (glutamyl-prolyl-tRNA synthetase 1; minus strand). Cytogenetic location: 1q41.
Variant type: single nucleotide variant.
Coding change: c.4033T>A on transcript NM_004446.3 (MANE Select); coding-DNA position 4033, T replaced by A.
Protein change: p.Leu1345Ile; replaces leucine 1345 with isoleucine.
Molecular consequence: missense variant.
Genome position (GRCh38, 1-based): chr1:219,978,596, A>T on the plus strand (T>A on the coding strand, the complement: EPRS1 is on the minus strand). VCF-style: chr1-219978596-A-T. GRCh37 (hg19) VCF-style: chr1-220151938-A-T.
Other names: short protein forms L1345I.
Identifiers: ClinVar variation 1680859 (VCV001680859.6), dbSNP rs1660823561, ClinGen allele CA344629948.
Genomic context (GRCh38, chr1:219,978,596, plus strand): 5'-AGGAATTTACCTTGAGCTCCCAGTGATTGAATTTCCAACCTGGAGAATAATTATCTCGTA[A>T]ATCAGCTCTAACGCGGATGTTAACACTGAGTAATCGCCTTCGATAATCATTGCATTTTGC-3'
Protein context (NP_004437.2, residues 1335-1355): LSVNIRVRAD[Leu1345Ile]RDNYSPGWKF